The following is an entry in ClinVar:

ClinVar aggregate classification (germline): Likely pathogenic (1 of 4 stars; one submission).

Conditions:
Telangiectasia, hereditary hemorrhagic, type 2 (HHT2). Also called: ACVRL1-Related Hereditary Hemorrhagic Telangiectasia; Telangiectasia, hereditary hemorrhagic, type II. Identifiers: Orphanet 774, MedGen C1838163, MONDO:0010880, OMIM 600376. Disease mechanism: loss of function.

Submission:

Labcorp Genetics (formerly Invitae), Labcorp
Classification: Likely pathogenic for Telangiectasia, hereditary hemorrhagic, type 2. Last evaluated: 2025-08-29. Review status: criteria provided, single submitter. Criteria: Invitae Variant Classification Sherloc (09022015). Collection method: clinical testing. Allele origin: germline.
Comment: This sequence change replaces cysteine, which is neutral and slightly polar, with tryptophan, which is neutral and slightly polar, at codon 51 of the ACVRL1 protein (p.Cys51Trp). This variant is not present in population databases (gnomAD no frequency). This missense change has been observed in individual(s) with clinical features of hereditary hemorrhagic telangiectasia (internal data). Invitae Evidence Modeling of protein sequence and biophysical properties (such as structural, functional, and spatial information, amino acid conservation, physicochemical variation, residue mobility, and thermodynamic stability) indicates that this missense variant is expected to disrupt ACVRL1 protein function with a positive predictive value of 95%. This variant affects a cysteine residue located within the ACVRL1 protein ectodomain. Cysteine residues in this domain of ACVRL1 are involved in the formation of disulfide bridges critical for protein structure and stability (PMID: 22028876, 22718755, 22799562). In addition, missense substitutions within the ACVRL1 ectodomain affecting cysteine residues are overrepresented in patients with HHT (PMID: 20501893, 26176610 and an online resource). This variant disrupts the p.Cys51 amino acid residue in ACVRL1. Other variant(s) that disrupt this residue have been determined to be pathogenic (PMID: 10694922, 16429404, 23722869; internal data). This suggests that this residue is clinically significant, and that variants that disrupt this residue are likely to be disease-causing. In summary, the currently available evidence indicates that the variant is pathogenic, but additional data are needed to prove that conclusively. Therefore, this variant has been classified as Likely Pathogenic.

Literature cited by the submitters: PubMed 22028876; PubMed 22718755; PubMed 22799562; PubMed 20501893; PubMed 26176610; PubMed 10694922; PubMed 16429404; PubMed 23722869.

NM_000020.3(ACVRL1):c.153C>G (p.Cys51Trp)

Gene: ACVRL1 (activin A receptor like type 1; plus strand). Cytogenetic location: 12q13.13.
Variant type: single nucleotide variant.
Coding change: c.153C>G on transcript NM_000020.3 (MANE Select); coding-DNA position 153, C replaced by G.
Protein change: p.Cys51Trp; replaces cysteine 51 with tryptophan.
Molecular consequence: missense variant. On other transcripts: intron variant (1).
Genome position (GRCh38, 1-based): chr12:51,913,190, C>G. VCF-style: chr12-51913190-C-G. GRCh37 (hg19) VCF-style: chr12-52306974-C-G.
Other names: c.153C>G, p.Cys51Trp (NM_001077401.2, NM_001406487.1, NM_001406488.1 and 6 more transcripts); c.61+655C>G (NM_001406495.1); short protein forms C51W.
Identifiers: ClinVar variation 4801296 (VCV004801296.1).
Genomic context (GRCh38, chr12:51,913,190, plus strand): 5'-GGTGACCTGCACGTGTGAGAGCCCACATTGCAAGGGGCCTACCTGCCGGGGGGCCTGGTG[C>G]ACAGTAGTGCTGGTGCGGGAGGAGGGGAGGCACCCCCAGGAACATCGGGGCTGCGGGAAC-3'
Protein context (NP_000011.2, residues 41-61): CKGPTCRGAW[Cys51Trp]TVVLVREEGR